The following is an entry in ClinVar:

NM_001278716.2(FBXL4):c.1318C>G (p.Gln440Glu)

Gene: FBXL4 (F-box and leucine rich repeat protein 4; minus strand). Cytogenetic location: 6q16.1.
Variant type: single nucleotide variant.
Coding change: c.1318C>G on transcript NM_001278716.2 (MANE Select); coding-DNA position 1318, C replaced by G.
Protein change: p.Gln440Glu; replaces glutamine 440 with glutamic acid.
Molecular consequence: missense variant. On other transcripts: non-coding transcript variant (1).
Genome position (GRCh38, 1-based): chr6:98,880,624, G>C on the plus strand (C>G on the coding strand, the complement: FBXL4 is on the minus strand). VCF-style: chr6-98880624-G-C. GRCh37 (hg19) VCF-style: chr6-99328500-G-C.
Other names: c.1318C>G, p.Gln440Glu (NM_012160.5); short protein forms Q440E.
Identifiers: ClinVar variation 437734 (VCV000437734.1), dbSNP rs757401765, ClinGen allele CA3933473.

ClinVar aggregate classification (germline): Uncertain significance (1 of 4 stars; one submission).

Conditions:
Mitochondrial DNA depletion syndrome 13. Also called: FBXL4-Related Encephalomyopathic Mitochondrial DNA Depletion Syndrome; Mitochondrial DNA depletion syndrome 13 (encephalomyopathic type). Identifiers: Orphanet 369897, MedGen C3809592, MONDO:0014198, OMIM 615471.

Allele frequency attached by ClinVar (database versions not stated): ExAC 0.00001; gnomAD exomes 0.00001.
gnomAD v4.1: 3 of 1,613,498 alleles (0.00019%); highest among the groups gnomAD compares: Admixed American, 0.005%; no homozygotes.

Submission:

Wong Mito Lab, Molecular and Human Genetics, Baylor College of Medicine
Classification: Uncertain significance for Mitochondrial DNA depletion syndrome 13. Last evaluated: 2017-08-10. Review status: criteria provided, single submitter. Criteria: ACMG Guidelines, 2015. Collection method: reference population. Allele origin: germline.
Comment: The NM_012160.4:c.1318C>G (NP_036292.2:p.Gln440Glu) [GRCH38: NC_000006.12:g.98880624G>C] variant in FBXL4 gene is interpretated to be a Uncertain Significance - Insufficient Evidence based on ACMG guidelines (PMID: 25741868). This variant meets one or more of the following evidence codes reported in the ACMG-guideline. PM2:This variant is absent in key population databases. Based on this evidence code ClinGen Pathogenicity Calculator (PMID:28081714) suggested that the variant is Uncertain Significance - Insufficient Evidence.